The following is an entry in ClinVar:

NM_003954.5(MAP3K14):c.1657G>A (p.Gly553Arg)

Gene: MAP3K14 (mitogen-activated protein kinase kinase kinase 14; minus strand). Cytogenetic location: 17q21.31.
Variant type: single nucleotide variant.
Coding change: c.1657G>A on transcript NM_003954.5 (MANE Select); coding-DNA position 1657, G replaced by A.
Protein change: p.Gly553Arg; replaces glycine 553 with arginine.
Molecular consequence: missense variant.
Genome position (GRCh38, 1-based): chr17:45,273,503, C>T on the plus strand (G>A on the coding strand, the complement: MAP3K14 is on the minus strand). VCF-style: chr17-45273503-C-T. GRCh37 (hg19) VCF-style: chr17-43350870-C-T.
Other names: c.1657G>A, p.Gly553Arg (LRG_1222t1); short protein forms G553R.
Identifiers: ClinVar variation 652155 (VCV000652155.9), dbSNP rs1185307989, ClinGen allele CA399881997.

ClinVar aggregate classification (germline): Uncertain significance (1 of 4 stars; one submission).

Conditions:
NIK deficiency. Also called: Primary immunodeficiency with multifaceted aberrant lymphoid immunity. Identifiers: Orphanet 447731, MedGen C5680065, MONDO:0018642.

Submission:

Labcorp Genetics (formerly Invitae), Labcorp
Classification: Uncertain significance for NIK deficiency. Last evaluated: 2022-07-12. Review status: criteria provided, single submitter. Criteria: Invitae Variant Classification Sherloc (09022015). Collection method: clinical testing. Allele origin: germline.
Comment: This variant is not present in population databases (gnomAD no frequency). This sequence change replaces glycine, which is neutral and non-polar, with arginine, which is basic and polar, at codon 553 of the MAP3K14 protein (p.Gly553Arg). This variant also falls at the last nucleotide of exon 9, which is part of the consensus splice site for this exon. This variant has not been reported in the literature in individuals affected with MAP3K14-related conditions. ClinVar contains an entry for this variant (Variation ID: 652155). Variants that disrupt the consensus splice site are a relatively common cause of aberrant splicing (PMID: 17576681, 9536098). Algorithms developed to predict the effect of sequence changes on RNA splicing suggest that this variant may disrupt the consensus splice site. In summary, the available evidence is currently insufficient to determine the role of this variant in disease. Therefore, it has been classified as a Variant of Uncertain Significance.

Literature cited by the submitters: PubMed 17576681; PubMed 9536098.